The following is an entry in ClinVar:

ClinVar aggregate classification (germline): Benign/Likely benign. Review status: criteria provided, multiple submitters, no conflicts (2 of 4 stars). 2 submissions from 2 submitters: Benign (1); Likely benign (1). Last evaluated 2026-06-29.

Conditions:
Sessile serrated polyposis cancer syndrome (SSPCS). Identifiers: Orphanet 157798, MedGen C4310714, MONDO:0014919, OMIM 617108.

gnomAD v4.1: 5 of 1,607,310 alleles (0.00031%); highest among the groups gnomAD compares: Non-Finnish European, 0.00043%; no homozygotes.

Submissions (2):

Myriad Genetics, Inc.
Classification: Benign for Sessile serrated polyposis cancer syndrome. Last evaluated: 2026-06-29. Review status: criteria provided, single submitter. Criteria: Myriad Autosomal Dominant, Autosomal Recessive and X-Linked Classification Criteria (2023). Collection method: clinical testing. Allele origin: unknown.
Comment: This variant is considered benign. This variant is a silent/synonymous amino acid change and it is not expected to impact splicing.

Ambry Genetics
Classification: Likely benign. Last evaluated: 2026-02-27. Review status: criteria provided, single submitter. Criteria: Ambry Variant Classification Scheme 2023. Collection method: clinical testing. Allele origin: germline.

NM_017763.6(RNF43):c.351C>T (p.Arg117=)

Gene: RNF43 (ring finger protein 43; minus strand). Cytogenetic location: 17q22.
Variant type: single nucleotide variant.
Coding change: c.351C>T on transcript NM_017763.6 (MANE Select); coding-DNA position 351, C replaced by T.
Protein change: p.Arg117=; no amino-acid change (arginine 117 retained).
Molecular consequence: synonymous variant. On other transcripts: 5 prime UTR variant (2).
Genome position (GRCh38, 1-based): chr17:58,370,935, G>A on the plus strand (C>T on the coding strand, the complement: RNF43 is on the minus strand). VCF-style: chr17-58370935-G-A. GRCh37 (hg19) VCF-style: chr17-56448296-G-A.
Other names: c.351C>T, p.Arg117= (NM_001305544.3, NM_001438820.1, NM_001438821.1 and 1 more transcripts); c.-31C>T (NM_001305545.2, NM_001437987.1).
Identifiers: ClinVar variation 4826148 (VCV004826148.2).